The following is an entry in ClinVar:

NM_182476.3(COQ6):c.1355C>T (p.Thr452Ile)

Genes: ENTPD5 (ectonucleoside triphosphate diphosphohydrolase 5; minus strand), COQ6 (coenzyme Q6, monooxygenase; plus strand). Cytogenetic location: 14q24.3.
Variant type: single nucleotide variant.
Coding change: c.1355C>T on transcript NM_182476.3 (MANE Select); coding-DNA position 1355, C replaced by T.
Protein change: p.Thr452Ile; replaces threonine 452 with isoleucine.
Molecular consequence: missense variant. On other transcripts: intron variant (7).
Genome position (GRCh38, 1-based): chr14:73,961,881, C>T. VCF-style: chr14-73961881-C-T. GRCh37 (hg19) VCF-style: chr14-74428584-C-T.
Other names: c.1247C>T, p.Thr416Ile (NM_001425256.1); c.1190C>T, p.Thr397Ile (NM_001425257.1); c.1172C>T, p.Thr391Ile (NM_001425258.1); c.1130C>T, p.Thr377Ile (NM_001425259.1, NM_001425260.1, NM_001425261.1); c.1100C>T, p.Thr367Ile (NM_001425262.1); c.1028C>T, p.Thr343Ile (NM_001425263.1); c.815C>T, p.Thr272Ile (NM_001425264.1, NM_001425265.1); c.1280C>T, p.Thr427Ile (NM_182480.3); and 5 more; short protein forms T427I, T452I.
Identifiers: ClinVar variation 1979281 (VCV001979281.3), dbSNP rs1594816657, ClinGen allele CA390379637.

ClinVar aggregate classification (germline): Uncertain significance (1 of 4 stars; one submission).

Submission:

Labcorp Genetics (formerly Invitae), Labcorp
Classification: Uncertain significance. Last evaluated: 2024-11-05. Review status: criteria provided, single submitter. Criteria: Invitae Variant Classification Sherloc (09022015). Collection method: clinical testing. Allele origin: germline.
Comment: This sequence change replaces threonine, which is neutral and polar, with isoleucine, which is neutral and non-polar, at codon 452 of the COQ6 protein (p.Thr452Ile). This variant is not present in population databases (gnomAD no frequency). This variant has not been reported in the literature in individuals affected with COQ6-related conditions. ClinVar contains an entry for this variant (Variation ID: 1979281). Invitae Evidence Modeling of protein sequence and biophysical properties (such as structural, functional, and spatial information, amino acid conservation, physicochemical variation, residue mobility, and thermodynamic stability) indicates that this missense variant is not expected to disrupt COQ6 protein function with a negative predictive value of 80%. In summary, the available evidence is currently insufficient to determine the role of this variant in disease. Therefore, it has been classified as a Variant of Uncertain Significance.